The following is an entry in ClinVar:

NM_001972.4(ELANE):c.283_300del (p.Thr95_Ala100del)

Gene: ELANE (elastase, neutrophil expressed; plus strand). Cytogenetic location: 19p13.3.
Variant type: Deletion.
Coding change: c.283_300del on transcript NM_001972.4 (MANE Select); coding-DNA positions 283 to 300, 18 bases deleted (ACCCGGCAGGTGTTCGCC).
Protein change: p.Thr95_Ala100del.
Genome position (GRCh38, 1-based): chr19:853,320-853,337, ACCCGGCAGGTGTTCGCC deleted; deleting any 18 consecutive bases within chr19:853,318-853,337 gives the same sequence; the c. name uses the placement nearest the transcript's 3' end. VCF-style (leftmost placement, unchanged base first): chr19-853317-CCCACCCGGCAGGTGTTCG-C. GRCh37 (hg19) VCF-style: chr19-853317-CCCACCCGGCAGGTGTTCG-C.
Identifiers: ClinVar variation 4786444 (VCV004786444.1).

ClinVar aggregate classification (germline): Uncertain significance (1 of 4 stars; one submission).

Conditions:
Neutropenia, severe congenital, 1, autosomal dominant. Identifiers: MedGen C1859966, MONDO:0042490, OMIM 202700.
Cyclical neutropenia. Also called: Cyclic hematopoiesis; Cyclic Neutropenia. Identifiers: Orphanet 2686, MedGen C0221023, MONDO:0008090, OMIM 162800, HP:0040289. Disease mechanism: loss of function.

Submission:

Labcorp Genetics (formerly Invitae), Labcorp
Classification: Uncertain significance for Neutropenia, severe congenital, 1, autosomal dominant; Cyclical neutropenia. Last evaluated: 2025-10-21. Review status: criteria provided, single submitter. Criteria: Invitae Variant Classification Sherloc (09022015). Collection method: clinical testing. Allele origin: germline.
Comment: This variant, c.283_300del, results in the deletion of 6 amino acid(s) of the ELANE protein (p.Thr95_Ala100del), but otherwise preserves the integrity of the reading frame. This variant is not present in population databases (gnomAD no frequency). This variant has not been reported in the literature in individuals affected with ELANE-related conditions. Experimental studies and prediction algorithms are not available or were not evaluated, and the functional significance of this variant is currently unknown. In summary, the available evidence is currently insufficient to determine the role of this variant in disease. Therefore, it has been classified as a Variant of Uncertain Significance.